The following is an entry in ClinVar:

ClinVar aggregate classification (germline): Uncertain significance (1 of 4 stars; one submission).

Allele frequency attached by ClinVar (database versions not stated): TOPMed 0.00001.

Submission:

Labcorp Genetics (formerly Invitae), Labcorp
Classification: Uncertain significance. Last evaluated: 2022-03-10. Review status: criteria provided, single submitter. Criteria: Invitae Variant Classification Sherloc (09022015). Collection method: clinical testing. Allele origin: germline.
Comment: This sequence change replaces valine, which is neutral and non-polar, with leucine, which is neutral and non-polar, at codon 2861 of the CPLANE1 protein (p.Val2861Leu). In summary, the available evidence is currently insufficient to determine the role of this variant in disease. Therefore, it has been classified as a Variant of Uncertain Significance. Advanced modeling of protein sequence and biophysical properties (such as structural, functional, and spatial information, amino acid conservation, physicochemical variation, residue mobility, and thermodynamic stability) performed at Invitae indicates that this missense variant is not expected to disrupt CPLANE1 protein function. This variant has not been reported in the literature in individuals affected with CPLANE1-related conditions. This variant is present in population databases (no rsID available, gnomAD 0.0009%).

NM_001384732.1(CPLANE1):c.8743G>C (p.Val2915Leu)

Gene: CPLANE1 (ciliogenesis and planar polarity effector complex subunit 1; minus strand). Cytogenetic location: 5p13.2.
Variant type: single nucleotide variant.
Coding change: c.8743G>C on transcript NM_001384732.1 (MANE Select); coding-DNA position 8743, G replaced by C.
Protein change: p.Val2915Leu; replaces valine 2915 with leucine.
Molecular consequence: missense variant.
Genome position (GRCh38, 1-based): chr5:37,138,769, C>G on the plus strand (G>C on the coding strand, the complement: CPLANE1 is on the minus strand). VCF-style: chr5-37138769-C-G. GRCh37 (hg19) VCF-style: chr5-37138871-C-G.
Other names: c.8581G>C, p.Val2861Leu (NM_023073.4); short protein forms V2861L, V2915L.
Identifiers: ClinVar variation 2146409 (VCV002146409.4), dbSNP rs1388792860, ClinGen allele CA359505277.
Genomic context (GRCh38, chr5:37,138,769, plus strand): 5'-TCAATGATTACCTGGAGGTGCCCATAGCTTGTTCTGTTAAGCCAAGTTCTTCACTGGAAA[C>G]TCCGTCTTTAATTATAAGGTCATCAATAATGTCTGCAATATCAGTCAATCCAGTCATCTG-3'
Protein context (NP_001371661.1, residues 2905-2925): IIDDLIIKDG[Val2915Leu]SSEELGLTEQ